The following is an entry in ClinVar:

NM_004086.3(COCH):c.1009T>C (p.Phe337Leu)

Genes: COCH (cochlin; plus strand), COCH-AS1 (COCH antisense RNA 1; minus strand). Cytogenetic location: 14q12.
Variant type: single nucleotide variant.
Coding change: c.1009T>C on transcript NM_004086.3 (MANE Select); coding-DNA position 1009, T replaced by C.
Protein change: p.Phe337Leu; replaces phenylalanine 337 with leucine.
Molecular consequence: missense variant. On other transcripts: non-coding transcript variant (1).
Genome position (GRCh38, 1-based): chr14:30,885,844, T>C. VCF-style: chr14-30885844-T-C. GRCh37 (hg19) VCF-style: chr14-31355050-T-C.
Other names: c.1009T>C, p.Phe337Leu (NM_001135058.2); c.1204T>C, p.Phe402Leu (NM_001347720.2); short protein forms F337L, F402L.
Identifiers: ClinVar variation 1321782 (VCV001321782.8), dbSNP rs370525728, ClinGen allele CA7143248.

ClinVar aggregate classification (germline): Conflicting classifications of pathogenicity. Review status: criteria provided, conflicting classifications (1 of 4 stars). 4 submissions from 4 submitters: Uncertain significance (3); Likely benign (1). Last evaluated 2025-08-31.

Conditions:
Inborn genetic diseases. Identifiers: MedGen C0950123, MeSH D030342.

Allele frequency attached by ClinVar (database versions not stated): gnomAD exomes 0.00002 and 0.00008; ExAC 0.00009; ESP Exome Variant Server 0.00023; TOPMed 0.00028; gnomAD 0.00035 and 0.00039.
gnomAD v4.1: 91 of 1,614,178 alleles (0.0056%); highest among the groups gnomAD compares: African/African-American, 0.1%; no homozygotes.

Submissions (4):

Labcorp Genetics (formerly Invitae), Labcorp
Classification: Uncertain significance. Last evaluated: 2025-08-31. Review status: criteria provided, single submitter. Criteria: Invitae Variant Classification Sherloc (09022015). Collection method: clinical testing. Allele origin: germline.
Comment: This sequence change replaces phenylalanine, which is neutral and non-polar, with leucine, which is neutral and non-polar, at codon 337 of the COCH protein (p.Phe337Leu). This variant is present in population databases (rs370525728, gnomAD 0.1%). This variant has not been reported in the literature in individuals affected with COCH-related conditions. ClinVar contains an entry for this variant (Variation ID: 1321782). Invitae Evidence Modeling of protein sequence and biophysical properties (such as structural, functional, and spatial information, amino acid conservation, physicochemical variation, residue mobility, and thermodynamic stability) has been performed for this missense variant. However, the output from this modeling did not meet the statistical confidence thresholds required to predict the impact of this variant on COCH protein function. In summary, the available evidence is currently insufficient to determine the role of this variant in disease. Therefore, it has been classified as a Variant of Uncertain Significance.

Ambry Genetics
Classification: Uncertain significance for Inborn genetic diseases. Last evaluated: 2023-09-14. Review status: criteria provided, single submitter. Criteria: Ambry Variant Classification Scheme 2023. Collection method: clinical testing. Allele origin: germline.

Blueprint Genetics
Classification: Uncertain significance. Last evaluated: 2023-03-09. Review status: criteria provided, single submitter. Criteria: ACMG Guidelines, 2015. Collection method: clinical testing. Allele origin: germline.

GeneDx
Classification: Likely benign. Last evaluated: 2021-05-10. Review status: criteria provided, single submitter. Criteria: GeneDx Variant Classification Process June 2021. Collection method: clinical testing. Allele origin: germline. Affected: yes.